The following is an entry in ClinVar:

NM_020812.4(DOCK6):c.1938G>A (p.Pro646=)

Gene: DOCK6 (dedicator of cytokinesis 6; minus strand). Cytogenetic location: 19p13.2.
Variant type: single nucleotide variant.
Coding change: c.1938G>A on transcript NM_020812.4 (MANE Select); coding-DNA position 1938, G replaced by A.
Protein change: p.Pro646=; no amino-acid change (proline 646 retained).
Molecular consequence: synonymous variant.
Genome position (GRCh38, 1-based): chr19:11,237,674, C>T on the plus strand (G>A on the coding strand, the complement: DOCK6 is on the minus strand). VCF-style: chr19-11237674-C-T. GRCh37 (hg19) VCF-style: chr19-11348350-C-T.
Other names: c.1938G>A, p.Pro646= (NM_001367830.1).
Identifiers: ClinVar variation 729644 (VCV000729644.16), dbSNP rs202119971, ClinGen allele CA9207798.

ClinVar aggregate classification (germline): Benign/Likely benign. Review status: criteria provided, multiple submitters, no conflicts (2 of 4 stars). 3 submissions from 3 submitters: Benign (1); Likely benign (2). Last evaluated 2025-11-03.

Allele frequency attached by ClinVar (database versions not stated): gnomAD exomes 0.00017 and 0.00028; ExAC 0.00047; 1000 Genomes Project 0.00080; ESP Exome Variant Server 0.00080; 1000 Genomes Project 30x 0.00094; gnomAD 0.00144 and 0.00148; TOPMed 0.00152.
gnomAD v4.1: 486 of 1,597,206 alleles (0.03%); highest among the groups gnomAD compares: African/African-American, 0.5%; 1 homozygote.

Submissions (3):

Labcorp Genetics (formerly Invitae), Labcorp
Classification: Benign. Last evaluated: 2025-11-03. Review status: criteria provided, single submitter. Criteria: Invitae Variant Classification Sherloc (09022015). Collection method: clinical testing. Allele origin: germline.

CeGaT Center for Human Genetics Tuebingen
Classification: Likely benign. Last evaluated: 2025-10-01. Review status: criteria provided, single submitter. Criteria: CeGaT Center For Human Genetics Tuebingen Variant Classification Criteria Version 2. Collection method: clinical testing. Allele origin: germline. Affected: yes. Observed: 1 variant allele.
Comment: DOCK6: BP4, BP7

Blueprint Genetics
Classification: Likely benign. Last evaluated: 2022-04-21. Review status: criteria provided, single submitter. Criteria: ACMG Guidelines, 2015. Collection method: clinical testing. Allele origin: germline.